The following is an entry in ClinVar:

ClinVar aggregate classification (germline): Pathogenic/Likely pathogenic. Review status: criteria provided, multiple submitters, no conflicts (2 of 4 stars). 4 submissions from 4 submitters: Pathogenic (1); Likely pathogenic (3). Last evaluated 2025-09-08.

Conditions:
Joubert syndrome. Also called: CEREBELLOPARENCHYMAL DISORDER IV; JOUBERT-BOLTSHAUSER SYNDROME; Familial aplasia of the vermis. Identifiers: Orphanet 475, MedGen C5979921, MONDO:0018772.
Meckel-Gruber syndrome. Also called: DYSENCEPHALIA SPLANCHNOCYSTICA; GRUBER SYNDROME; Dysencephalia splachnocystica. Identifiers: Orphanet 564, MedGen C0265215, MONDO:0018921.
Meckel syndrome, type 1 (MKS1). Also called: MECKEL-GRUBER SYNDROME, TYPE 1. Identifiers: Orphanet 564, MedGen C3714506, MONDO:0009571, OMIM 249000.
Joubert syndrome 28 (JBTS28). Identifiers: MedGen C4310705, MONDO:0014928, OMIM 617121.
Bardet-Biedl syndrome 13 (BBS13). Identifiers: Orphanet 110, MedGen C2673873, MONDO:0014441, OMIM 615990.

Submissions (4):

Natera, Inc.
Classification: Likely pathogenic for Meckel syndrome type 1. Last evaluated: 2025-09-08. Review status: criteria provided, single submitter. Criteria: Natera Variant Classification Schema (03/2026). Collection method: clinical testing. Allele origin: germline.
Comment: The c.1074C>A variant in MKS1 is a nonsense variant predicted to introduce a stop codon at amino acid 358. This variant is expected to result in nonsense mediated decay, truncation, or a dysfunctional protein product. This variant is rare in the general population with a frequency below the threshold expected for the associated phenotype(s). Given the available evidence, this variant is classified as Likely Pathogenic.

Fulgent Genetics
Classification: Likely pathogenic for Meckel syndrome, type 1; Bardet-Biedl syndrome 13; Joubert syndrome 28. Last evaluated: 2024-01-05. Review status: criteria provided, single submitter. Criteria: ACMG Guidelines, 2015. Collection method: clinical testing. Allele origin: germline.

Labcorp Genetics (formerly Invitae), Labcorp
Classification: Pathogenic for Joubert syndrome; Meckel-Gruber syndrome. Last evaluated: 2023-03-09. Review status: criteria provided, single submitter. Criteria: Invitae Variant Classification Sherloc (09022015). Collection method: clinical testing. Allele origin: germline.
Comment: For these reasons, this variant has been classified as Pathogenic. ClinVar contains an entry for this variant (Variation ID: 2071903). This variant has not been reported in the literature in individuals affected with MKS1-related conditions. This variant is not present in population databases (gnomAD no frequency). This sequence change creates a premature translational stop signal (p.Cys358*) in the MKS1 gene. It is expected to result in an absent or disrupted protein product. Loss-of-function variants in MKS1 are known to be pathogenic (PMID: 19466712, 24886560, 26490104).

Baylor Genetics
Classification: Likely pathogenic for Bardet-Biedl syndrome 13. Last evaluated: 2023-01-12. Review status: criteria provided, single submitter. Criteria: ACMG Guidelines, 2015. Collection method: clinical testing. Allele origin: unknown.

Literature cited by the submitters: PubMed 19466712 (cited by Labcorp Genetics (formerly Invitae), Labcorp); PubMed 24886560 (cited by Labcorp Genetics (formerly Invitae), Labcorp); PubMed 26490104 (cited by Labcorp Genetics (formerly Invitae), Labcorp).

NM_017777.4(MKS1):c.1074C>A (p.Cys358Ter)

Gene: MKS1 (MKS transition zone complex subunit 1; minus strand). Cytogenetic location: 17q22.
Variant type: single nucleotide variant.
Coding change: c.1074C>A on transcript NM_017777.4 (MANE Select); coding-DNA position 1074, C replaced by A.
Protein change: p.Cys358Ter; replaces cysteine 358 with a stop codon.
Molecular consequence: nonsense.
Genome position (GRCh38, 1-based): chr17:58,208,534, G>T on the plus strand (C>A on the coding strand, the complement: MKS1 is on the minus strand). VCF-style: chr17-58208534-G-T. GRCh37 (hg19) VCF-style: chr17-56285895-G-T.
Other names: c.465C>A, p.Cys155Ter (NM_001321268.2); c.1074C>A, p.Cys358Ter (NM_001321269.2, NM_001330397.2, NM_001411113.1); short protein forms C358*, C155*.
Identifiers: ClinVar variation 2071903 (VCV002071903.6), dbSNP rs1411471923, ClinGen allele CA400325823.